The following is an entry in ClinVar:

NM_000330.4(RS1):c.533G>T (p.Gly178Val)

Genes: CDKL5 (cyclin dependent kinase like 5; plus strand), RS1 (retinoschisin 1; minus strand). Cytogenetic location: Xp22.13.
Variant type: single nucleotide variant.
Coding change: c.533G>T on transcript NM_000330.4 (MANE Select); coding-DNA position 533, G replaced by T.
Protein change: p.Gly178Val; replaces glycine 178 with valine.
Molecular consequence: missense variant. On other transcripts: intron variant (2).
Genome position (GRCh38, 1-based): chrX:18,642,146, C>A on the plus strand (G>T on the coding strand, the complement: RS1 is on the minus strand). VCF-style: chrX-18642146-C-A. GRCh37 (hg19) VCF-style: chrX-18660266-C-A.
Other names: NM_003159.3:c.2714-3861C>A; c.2714-3861C>A (NM_003159.3, NM_001037343.2); short protein forms G178V.
Identifiers: ClinVar variation 4279573 (VCV004279573.1).

ClinVar aggregate classification (germline): Likely pathogenic (3 of 4 stars; one submission).

Conditions:
Juvenile retinoschisis (RS1). Also called: X-linked retinoschisis; X-Linked Juvenile Retinoschisis. Identifiers: Orphanet 792, MedGen C3714753, MONDO:0010725, OMIM 312700.

Submission:

ClinGen X-linked Inherited Retinal Disease Variant Curation Expert Panel, ClinGen
Classification: Likely pathogenic for Juvenile retinoschisis. Last evaluated: 2025-09-18. Review status: reviewed by expert panel. Criteria: ClinGen X LinkedIRD ACMG Specifications RS1 V1.0.0. Collection method: curation. Allele origin: germline. Inheritance: X-linked inheritance.
Comment: NM_000330.4(RS1):c.533G>T (p.Gly178Val) is a missense variant encoding the substitution of glycine with valine at amino acid 178. Another missense variant in the same codon, NM_000330.4(RS1):c.533G>A (p.Gly178Asp), (PMID: 31087526, 12928282, 31149861, 11738458, 9618178) has been classified as pathogenic for X-linked retinoschisis by the ClinGen X-linked IRD VCEP, while no benign missense variants have been identified in this codon. The present variant has a higher Grantham’s distance (109) than the comparison variant (94), and SpliceAI has been used to confirm that neither variant has a predicted impact on RS1 splicing (PM5). This variant is absent from hemizygous individuals in gnomAD v4.1.0 (PM2_Supporting). The computational predictor REVEL gives a score of 0.981, which is above the ClinGen X-linked IRD VCEP threshold of >0.932 and predicts a damaging effect on RS1 function (PP3_Strong). The computational splicing predictor SpliceAI gives a delta score of 0.00 for all predictive splice changes, which is below the ClinGen X-linked IRD VCEP threshold of >0.2 and does not predict that the variant disrupts RS1 splicing. In summary, this variant is classified as likely pathogenic for X-linked retinoschisis based on the ClinGen X-linked Inherited Retinal Disease Expert Panel Specifications to the ACMG/AMP Variant Interpretation Guidelines for RS1 Version 1.0.0: PM2_supporting, PP3_strong, and PM5_supporting.